The following is an entry in ClinVar:

ClinVar aggregate classification (germline): Likely benign (1 of 4 stars; one submission).

Submission:

CeGaT Center for Human Genetics Tuebingen
Classification: Likely benign. Last evaluated: 2026-09-01. Review status: criteria provided, single submitter. Criteria: CeGaT Center For Human Genetics Tuebingen Variant Classification Criteria Version 2. Collection method: clinical testing. Allele origin: germline. Affected: yes. Observed: 3 variant alleles.
Comment: SVIL: PM2:Supporting, BP4, BP7

NM_021738.3(SVIL):c.5670G>T (p.Val1890=)

Genes: SVIL-AS1 (SVIL antisense RNA 1; plus strand), SVIL (supervillin; minus strand). Cytogenetic location: 10p11.23.
Variant type: single nucleotide variant.
Coding change: c.5670G>T on transcript NM_021738.3 (MANE Select); coding-DNA position 5670, G replaced by T.
Protein change: p.Val1890=; no amino-acid change (valine 1890 retained).
Molecular consequence: synonymous variant.
Genome position (GRCh38, 1-based): chr10:29,470,449, C>A on the plus strand (G>T on the coding strand, the complement: SVIL is on the minus strand). VCF-style: chr10-29470449-C-A. GRCh37 (hg19) VCF-style: chr10-29759378-C-A.
Other names: c.4740G>T, p.Val1580= (NM_001323599.2); c.4488G>T, p.Val1496= (NM_001323600.1); c.4392G>T, p.Val1464= (NM_003174.3).
Identifiers: ClinVar variation 4085086 (VCV004085086.8).